The following is an entry in ClinVar:

NM_152296.5(ATP1A3):c.1462C>T (p.Pro488Ser)

Gene: ATP1A3 (ATPase Na+/K+ transporting subunit alpha 3; minus strand). Cytogenetic location: 19q13.2.
Variant type: single nucleotide variant.
Coding change: c.1462C>T on transcript NM_152296.5 (MANE Select); coding-DNA position 1462, C replaced by T.
Protein change: p.Pro488Ser; replaces proline 488 with serine.
Molecular consequence: missense variant.
Genome position (GRCh38, 1-based): chr19:41,978,774, G>A on the plus strand (C>T on the coding strand, the complement: ATP1A3 is on the minus strand). VCF-style: chr19-41978774-G-A. GRCh37 (hg19) VCF-style: chr19-42482926-G-A.
Other names: c.1495C>T, p.Pro499Ser (NM_001256213.2); c.1501C>T, p.Pro501Ser (NM_001256214.2); short protein forms P488S, P501S, P499S.
Identifiers: ClinVar variation 2109190 (VCV002109190.4), dbSNP rs1235079401, ClinGen allele CA406047470.

ClinVar aggregate classification (germline): Uncertain significance (1 of 4 stars; one submission).

Conditions:
Dystonia 12 (DYT12). Also called: Rapid-Onset Dystonia-Parkinsonism (RDP); DYT-ATP1A3. Identifiers: Orphanet 71517, MedGen C1868681, MONDO:0007496, OMIM 128235.

Allele frequency attached by ClinVar (database versions not stated): gnomAD exomes below 0.00001; TOPMed below 0.00001.
gnomAD v4.1: 1 of 1,614,012 alleles (0.000062%); highest among the groups gnomAD compares: Non-Finnish European, 0.000085%; no homozygotes.

Submission:

Labcorp Genetics (formerly Invitae), Labcorp
Classification: Uncertain significance for Dystonia 12. Last evaluated: 2022-09-27. Review status: criteria provided, single submitter. Criteria: Invitae Variant Classification Sherloc (09022015). Collection method: clinical testing. Allele origin: germline.
Comment: This variant is not present in population databases (gnomAD no frequency). This sequence change replaces proline, which is neutral and non-polar, with serine, which is neutral and polar, at codon 488 of the ATP1A3 protein (p.Pro488Ser). This variant has not been reported in the literature in individuals affected with ATP1A3-related conditions. Algorithms developed to predict the effect of missense changes on protein structure and function (SIFT, PolyPhen-2, Align-GVGD) all suggest that this variant is likely to be tolerated. In summary, the available evidence is currently insufficient to determine the role of this variant in disease. Therefore, it has been classified as a Variant of Uncertain Significance.